The following is an entry in ClinVar:

NM_000090.4(COL3A1):c.4205C>A (p.Ala1402Asp)

Gene: COL3A1 (collagen type III alpha 1 chain; plus strand). Cytogenetic location: 2q32.2.
Variant type: single nucleotide variant.
Coding change: c.4205C>A on transcript NM_000090.4 (MANE Select); coding-DNA position 4205, C replaced by A.
Protein change: p.Ala1402Asp; replaces alanine 1402 with aspartic acid.
Molecular consequence: missense variant.
Genome position (GRCh38, 1-based): chr2:189,010,841, C>A. VCF-style: chr2-189010841-C-A. GRCh37 (hg19) VCF-style: chr2-189875567-C-A.
Other names: c.4205C>A (NM_000090.3); short protein forms A1402D.
Identifiers: ClinVar variation 1038264 (VCV001038264.11), dbSNP rs1688708521, ClinGen allele CA349849621.

ClinVar aggregate classification (germline): Uncertain significance. Review status: criteria provided, multiple submitters, no conflicts (2 of 4 stars). 4 submissions from 4 submitters: Uncertain significance (4). Last evaluated 2026-01-09.

Conditions:
Familial thoracic aortic aneurysm and aortic dissection (TAAD). Also called: Thoracic aortic aneurysms and dissections. Identifiers: Orphanet 91387, MedGen C4707243, MONDO:0019625.
Ehlers-Danlos syndrome, type 4 (EDSVASC). Also called: Ehlers-Danlos syndrome vascular type; Ehlers Danlos syndrome, ecchymotic type; Ehlers Danlos syndrome, arterial type; Ehlers Danlos syndrome, Sack-Barabas type; Ehlers-Danlos Syndrome Type IV. Identifiers: Orphanet 286, MedGen C0268338, MONDO:0017314, OMIM 130050.

Allele frequency attached by ClinVar (database versions not stated): TOPMed 0.00001.
gnomAD v4.1: 1 of 1,614,094 alleles (0.000062%); highest among the groups gnomAD compares: African/African-American, 0.0013%; no homozygotes.

Submissions (4):

Ambry Genetics
Classification: Uncertain significance for Familial thoracic aortic aneurysm and aortic dissection. Last evaluated: 2026-01-09. Review status: criteria provided, single submitter. Criteria: Ambry Variant Classification Scheme 2023. Collection method: clinical testing. Allele origin: germline.

All of Us Research Program, National Institutes of Health
Classification: Uncertain significance for Ehlers-Danlos syndrome, type 4. Last evaluated: 2023-12-13. Review status: criteria provided, single submitter. Criteria: ACMG Guidelines, 2015. Collection method: clinical testing. Allele origin: germline. Inheritance: Autosomal dominant inheritance. Observed: 1 variant allele, 1 heterozygote.
Comment: This missense variant replaces alanine with aspartic acid at codon 1402 of the COL3A1 protein. Computational prediction suggests that this variant may have deleterious impact on protein structure and function (internally defined REVEL score threshold >= 0.7, PMID: 27666373). To our knowledge, functional studies have not been reported for this variant. This variant has not been reported in individuals affected with COL3A1-related disorders in the literature. This variant has not been identified in the general population by the Genome Aggregation Database (gnomAD). The available evidence is insufficient to determine the role of this variant in disease conclusively. Therefore, this variant is classified as a Variant of Uncertain Significance.

This study involves interpretation of variants in research participants for the purpose of population health screening. Participant phenotype was not available at the time of variant classification. Additional details can be found in publication PMID: 35346344, PMCID: PMC8962531

Color Diagnostics, LLC DBA Color Health
Classification: Uncertain significance for Familial thoracic aortic aneurysm and aortic dissection. Last evaluated: 2023-11-15. Review status: criteria provided, single submitter. Criteria: ACMG Guidelines, 2015. Collection method: clinical testing. Allele origin: germline.
Comment: This missense variant replaces alanine with aspartic acid at codon 1402 of the COL3A1 protein. Computational prediction suggests that this variant may have deleterious impact on protein structure and function. To our knowledge, functional studies have not been reported for this variant. This variant has not been reported in individuals affected with COL3A1-related disorders in the literature. This variant has not been identified in the general population by the Genome Aggregation Database (gnomAD). The available evidence is insufficient to determine the role of this variant in disease conclusively. Therefore, this variant is classified as a Variant of Uncertain Significance.

Labcorp Genetics (formerly Invitae), Labcorp
Classification: Uncertain significance for Ehlers-Danlos syndrome, type 4. Last evaluated: 2020-09-19. Review status: criteria provided, single submitter. Criteria: Invitae Variant Classification Sherloc (09022015). Collection method: clinical testing. Allele origin: germline.
Comment: This variant is not present in population databases (ExAC no frequency). In summary, the available evidence is currently insufficient to determine the role of this variant in disease. Therefore, it has been classified as a Variant of Uncertain Significance. Advanced modeling of protein sequence and biophysical properties (such as structural, functional, and spatial information, amino acid conservation, physicochemical variation, residue mobility, and thermodynamic stability) performed at Invitae indicates that this missense variant is expected to disrupt COL3A1 protein function. This variant has not been reported in the literature in individuals with COL3A1-related conditions. This sequence change replaces alanine with aspartic acid at codon 1402 of the COL3A1 protein (p.Ala1402Asp). The alanine residue is highly conserved and there is a moderate physicochemical difference between alanine and aspartic acid.